The following is an entry in ClinVar:

ClinVar aggregate classification (germline): Uncertain significance (1 of 4 stars; one submission).

Conditions:
Familial thoracic aortic aneurysm and aortic dissection (TAAD). Also called: Thoracic aortic aneurysms and dissections. Identifiers: Orphanet 91387, MedGen C4707243, MONDO:0019625.

Submission:

Color Diagnostics, LLC DBA Color Health
Classification: Uncertain significance for Familial thoracic aortic aneurysm and aortic dissection. Last evaluated: 2024-03-06. Review status: criteria provided, single submitter. Criteria: ACMG Guidelines, 2015. Collection method: clinical testing. Allele origin: germline.
Comment: This missense variant replaces lysine with glutamic acid at codon 68 of the MYH11 protein. Computational prediction is inconclusive regarding the impact of this variant on protein structure and function (internally defined REVEL score threshold 0.5 < inconclusive < 0.7, PMID: 27666373). Splice site prediction tools suggest that this variant may not impact RNA splicing. To our knowledge, functional studies have not been performed for this variant. This variant has not been reported in individuals affected with cardiovascular disorders in the literature. This variant has not been identified in the general population by the Genome Aggregation Database (gnomAD). The available evidence is insufficient to determine the role of this variant in disease conclusively. Therefore, this variant is classified as a Variant of Uncertain Significance.

NM_002474.3(MYH11):c.202A>G (p.Lys68Glu)

Gene: MYH11 (myosin heavy chain 11; minus strand). Cytogenetic location: 16p13.11.
Variant type: single nucleotide variant.
Coding change: c.202A>G on transcript NM_002474.3 (MANE Select); coding-DNA position 202, A replaced by G.
Protein change: p.Lys68Glu; replaces lysine 68 with glutamic acid.
Molecular consequence: missense variant.
Genome position (GRCh38, 1-based): chr16:15,838,051, T>C on the plus strand (A>G on the coding strand, the complement: MYH11 is on the minus strand). VCF-style: chr16-15838051-T-C. GRCh37 (hg19) VCF-style: chr16-15931908-T-C.
Other names: c.202A>G, p.Lys68Glu (NM_001040113.2, NM_001040114.2, NM_022844.3); short protein forms K68E.
Identifiers: ClinVar variation 926063 (VCV000926063.4), dbSNP rs201872782, ClinGen allele CA278998944.